The following is an entry in ClinVar:

ClinVar aggregate classification (germline): Uncertain significance (1 of 4 stars; one submission).

gnomAD v4.1: 4 of 1,458,084 alleles (0.00027%); highest among the groups gnomAD compares: East Asian, 0.0026%; no homozygotes.

Submission:

Labcorp Genetics (formerly Invitae), Labcorp
Classification: Uncertain significance. Last evaluated: 2022-09-06. Review status: criteria provided, single submitter. Criteria: Invitae Variant Classification Sherloc (09022015). Collection method: clinical testing. Allele origin: germline.
Comment: This sequence change affects codon 5 of the POC1B mRNA. It is a 'silent' change, meaning that it does not change the encoded amino acid sequence of the POC1B protein. This variant also falls at the last nucleotide of exon 1, which is part of the consensus splice site for this exon. This variant is not present in population databases (gnomAD no frequency). This variant has not been reported in the literature in individuals affected with POC1B-related conditions. ClinVar contains an entry for this variant (Variation ID: 1347815). Variants that disrupt the consensus splice site are a relatively common cause of aberrant splicing (PMID: 17576681, 9536098). Algorithms developed to predict the effect of sequence changes on RNA splicing suggest that this variant may disrupt the consensus splice site. In summary, the available evidence is currently insufficient to determine the role of this variant in disease. Therefore, it has been classified as a Variant of Uncertain Significance.

Literature cited by the submitters: PubMed 17576681; PubMed 9536098.

NM_172240.3(POC1B):c.15G>T (p.Thr5=)

Genes: POC1B (POC1 centriolar protein B; minus strand), POC1B-AS1 (POC1B antisense RNA 1; plus strand), POC1B-DUSP6 (POC1B-DUSP6 readthrough; minus strand), POC1B-GALNT4 (POC1B-GALNT4 readthrough; minus strand), LOC130008357 (ATAC-STARR-seq lymphoblastoid silent region 4694; plus strand). Cytogenetic location: 12q21.33.
Variant type: single nucleotide variant.
Coding change: c.15G>T on transcript NM_172240.3 (MANE Select); coding-DNA position 15, G replaced by T.
Protein change: p.Thr5=; no amino-acid change (threonine 5 retained).
Molecular consequence: synonymous variant. On other transcripts: missense variant (1), non-coding transcript variant (1).
Genome position (GRCh38, 1-based): chr12:89,525,881, C>A on the plus strand (G>T on the coding strand, the complement: POC1B is on the minus strand). VCF-style: chr12-89525881-C-A. GRCh37 (hg19) VCF-style: chr12-89919658-C-A.
Other names: c.15G>T, p.Thr5= (NM_001199781.2); c.275G>T, p.Arg92Leu (NM_001199782.1); short protein forms R92L.
Identifiers: ClinVar variation 1347815 (VCV001347815.3), dbSNP rs767799356, ClinGen allele CA481075277.